The following is an entry in ClinVar:

ClinVar aggregate classification (germline): Uncertain significance (1 of 4 stars; one submission).

Submission:

Labcorp Genetics (formerly Invitae), Labcorp
Classification: Uncertain significance. Last evaluated: 2022-05-08. Review status: criteria provided, single submitter. Criteria: Invitae Variant Classification Sherloc (09022015). Collection method: clinical testing. Allele origin: germline.
Comment: In summary, the available evidence is currently insufficient to determine the role of this variant in disease. Therefore, it has been classified as a Variant of Uncertain Significance. Algorithms developed to predict the effect of sequence changes on RNA splicing suggest that this variant may create or strengthen a splice site. Algorithms developed to predict the effect of missense changes on protein structure and function are either unavailable or do not agree on the potential impact of this missense change (SIFT: "Deleterious"; PolyPhen-2: "Not Available"; Align-GVGD: "Class C0"). This variant has not been reported in the literature in individuals affected with PTPN23-related conditions. This variant is not present in population databases (gnomAD no frequency). This sequence change replaces lysine, which is basic and polar, with asparagine, which is neutral and polar, at codon 308 of the PTPN23 protein (p.Lys308Asn).

NM_015466.4(PTPN23):c.924G>C (p.Lys308Asn)

Gene: PTPN23 (protein tyrosine phosphatase non-receptor type 23; plus strand). Cytogenetic location: 3p21.31.
Variant type: single nucleotide variant.
Coding change: c.924G>C on transcript NM_015466.4 (MANE Select); coding-DNA position 924, G replaced by C.
Protein change: p.Lys308Asn; replaces lysine 308 with asparagine.
Molecular consequence: missense variant.
Genome position (GRCh38, 1-based): chr3:47,407,505, G>C. VCF-style: chr3-47407505-G-C. GRCh37 (hg19) VCF-style: chr3-47448995-G-C.
Other names: c.546G>C, p.Lys182Asn (NM_001304482.2); short protein forms K182N, K308N.
Identifiers: ClinVar variation 2135620 (VCV002135620.4), dbSNP rs2546242089, ClinGen allele CA352548701.